The following is an entry in ClinVar:

NM_025137.4(SPG11):c.3013_3016del (p.Leu1005fs)

Gene: SPG11 (SPG11 vesicle trafficking associated, spatacsin; minus strand). Cytogenetic location: 15q21.1.
Variant type: Deletion.
Coding change: c.3013_3016del on transcript NM_025137.4 (MANE Select); coding-DNA positions 3013 to 3016, 4 bases deleted (CTTT; older notation c.3013_3016delCTTT).
Protein change: p.Leu1005fs; shifts the reading frame from leucine 1005.
Molecular consequence: frameshift variant.
Genome position (GRCh38, 1-based): chr15:44,615,385-44,615,388, AAAG deleted on the plus strand (CTTT on the coding strand, the reverse complement: SPG11 is on the minus strand); deleting any 4 consecutive bases within chr15:44,615,385-44,615,390 gives the same sequence; the c. name uses the placement nearest the transcript's 3' end. VCF-style (leftmost placement, unchanged base first): chr15-44615384-TAAAG-T. GRCh37 (hg19) VCF-style: chr15-44907582-TAAAG-T.
Other names: c.3013_3016del, p.Leu1005fs (NM_001160227.2, NM_001411132.1); short protein forms L1005fs.
Identifiers: ClinVar variation 3723258 (VCV003723258.2).

ClinVar aggregate classification (germline): Pathogenic (1 of 4 stars; one submission).

Conditions:
Hereditary spastic paraplegia 11. Also called: SPASTIC PARAPLEGIA, AUTOSOMAL RECESSIVE, COMPLICATED, WITH THIN CORPUS CALLOSUM; SPASTIC PARAPLEGIA, AUTOSOMAL RECESSIVE, WITH MENTAL IMPAIRMENT AND THIN CORPUS CALLOSUM; Spastic paraplegia, mental retardation and thin corpus callosum; Nakamura Osame syndrome; Autosomal recessive hereditary spastic paraplegia, mental impairment, and thin corpus callosum; Spastic Paraplegia 11. Identifiers: Orphanet 2822, MedGen C1858479, MONDO:0011445, OMIM 604360.

Submission:

Labcorp Genetics (formerly Invitae), Labcorp
Classification: Pathogenic for Hereditary spastic paraplegia 11. Last evaluated: 2024-10-18. Review status: criteria provided, single submitter. Criteria: Invitae Variant Classification Sherloc (09022015). Collection method: clinical testing. Allele origin: germline.
Comment: This sequence change creates a premature translational stop signal (p.Leu1005Metfs*32) in the SPG11 gene. It is expected to result in an absent or disrupted protein product. Loss-of-function variants in SPG11 are known to be pathogenic (PMID: 19105190, 20110243, 22154821, 26556829). This variant is not present in population databases (gnomAD no frequency). This variant has not been reported in the literature in individuals affected with SPG11-related conditions. For these reasons, this variant has been classified as Pathogenic.

Literature cited by the submitters: PubMed 19105190; PubMed 20110243; PubMed 22154821; PubMed 26556829.